The following is an entry in ClinVar:

ClinVar aggregate classification (germline): Likely pathogenic (1 of 4 stars; one submission).

Conditions:
MC4R-related disorder. Also called: MC4R-related condition.

Submission:

PreventionGenetics, part of Exact Sciences
Classification: Likely pathogenic for MC4R-related condition. Last evaluated: 2025-02-06. Review status: criteria provided, single submitter. Criteria: ACMG Guidelines, 2015. Collection method: clinical testing. Allele origin: germline.
Comment: The MC4R c.406T>C variant is predicted to result in the amino acid substitution p.Ser136Pro. This variant has been reported in obese individuals and functional studies support its pathogenicity (Tan et al. 2009. PubMed ID: 18801902; Lotta et al. 2019. PubMed ID: 31002796). Additionally, a different missense variant affecting this amino acid (p.Ser136Phe) has been reported as pathogenic (Rettenbacher et al. 2007. PubMed ID: 17286227; Aykut et al. 2020. PubMed ID: 32185475; Tan et al. 2009. PubMed ID: 18801902). This variant has not been reported in a large population database (gnomAD), indicating this variant is rare. This variant is interpreted as likely pathogenic.

NM_005912.3(MC4R):c.406T>C (p.Ser136Pro)

Gene: MC4R (melanocortin 4 receptor; minus strand). Cytogenetic location: 18q21.32.
Variant type: single nucleotide variant.
Coding change: c.406T>C on transcript NM_005912.3 (MANE Select); coding-DNA position 406, T replaced by C.
Protein change: p.Ser136Pro; replaces serine 136 with proline.
Molecular consequence: missense variant.
Genome position (GRCh38, 1-based): chr18:60,371,944, A>G on the plus strand (T>C on the coding strand, the complement: MC4R is on the minus strand). VCF-style: chr18-60371944-A-G. GRCh37 (hg19) VCF-style: chr18-58039177-A-G.
Other names: short protein forms S136P.
Identifiers: ClinVar variation 4985771 (VCV004985771.1).
Genomic context (GRCh38, chr18:60,371,944, plus strand): 5'-GGAGAGCATAGAAGATAGTAAAGTACCTGTCCACTGCAATTGAAAGCAGGCTGCAAATGG[A>G]TGCAAGCAAGGAGCTACAGATCACCGAGTCAATGACATTATCAATATTCACTGTGAAACT-3'
Protein context (NP_005903.2, residues 126-146): DSVICSSLLA[Ser136Pro]ICSLLSIAVD